The following is an entry in ClinVar:

NM_000548.5(TSC2):c.5191A>C (p.Asn1731His)

Gene: TSC2 (TSC complex subunit 2; plus strand). Cytogenetic location: 16p13.3.
Variant type: single nucleotide variant.
Coding change: c.5191A>C on transcript NM_000548.5 (MANE Select); coding-DNA position 5191, A replaced by C.
Protein change: p.Asn1731His; replaces asparagine 1731 with histidine.
Molecular consequence: missense variant.
Genome position (GRCh38, 1-based): chr16:2,088,257, A>C. VCF-style: chr16-2088257-A-C. GRCh37 (hg19) VCF-style: chr16-2138258-A-C.
Other names: c.4990A>C, p.Asn1664His (NM_001077183.3); c.5122A>C, p.Asn1708His (NM_001114382.3); c.4882A>C, p.Asn1628His (NM_001318827.2); c.4846A>C, p.Asn1616His (NM_001318829.2); c.4459A>C, p.Asn1487His (NM_001318831.2); c.5023A>C, p.Asn1675His (NM_001318832.2); c.4993A>C, p.Asn1665His (NM_001363528.2); c.5059A>C, p.Asn1687His (NM_001370404.1); and 2 more; short protein forms N1628H, N1675H, N1687H, N1688H, N1665H, N1487H, N1684H, N1708H.
Identifiers: ClinVar variation 968885 (VCV000968885.12), dbSNP rs1555440500, ClinGen allele CA394314161.

ClinVar aggregate classification (germline): Uncertain significance. Review status: criteria provided, multiple submitters, no conflicts (2 of 4 stars). 2 submissions from 2 submitters: Uncertain significance (2). Last evaluated 2025-11-10.

Conditions:
Tuberous sclerosis 2 (TSC2). Identifiers: Orphanet 805, MedGen C1860707, MONDO:0013199, OMIM 613254.
Hereditary cancer-predisposing syndrome. Also called: Hereditary neoplastic syndrome; Hereditary Cancer Syndrome; Tumor predisposition; Neoplastic Syndromes, Hereditary. Identifiers: Orphanet 140162, MedGen C0027672, MeSH D009386, MONDO:0015356.

Allele frequency attached by ClinVar (database versions not stated): TOPMed below 0.00001.
gnomAD v4.1: 2 of 1,596,276 alleles (0.00013%); highest among the groups gnomAD compares: Non-Finnish European, 0.00017%; no homozygotes.

Submissions (2):

Labcorp Genetics (formerly Invitae), Labcorp
Classification: Uncertain significance for Tuberous sclerosis 2. Last evaluated: 2025-11-10. Review status: criteria provided, single submitter. Criteria: Invitae Variant Classification Sherloc (09022015). Collection method: clinical testing. Allele origin: germline.
Comment: This sequence change replaces asparagine, which is neutral and polar, with histidine, which is basic and polar, at codon 1731 of the TSC2 protein (p.Asn1731His). This variant is not present in population databases (gnomAD no frequency). This variant has not been reported in the literature in individuals affected with TSC2-related conditions. ClinVar contains an entry for this variant (Variation ID: 968885). Invitae Evidence Modeling of protein sequence and biophysical properties (such as structural, functional, and spatial information, amino acid conservation, physicochemical variation, residue mobility, and thermodynamic stability) indicates that this missense variant is not expected to disrupt TSC2 protein function with a negative predictive value of 95%. In summary, the available evidence is currently insufficient to determine the role of this variant in disease. Therefore, it has been classified as a Variant of Uncertain Significance.

Ambry Genetics
Classification: Uncertain significance for Hereditary cancer-predisposing syndrome. Last evaluated: 2025-09-29. Review status: criteria provided, single submitter. Criteria: Ambry Variant Classification Scheme 2023. Collection method: clinical testing. Allele origin: germline.
Comment: The p.N1731H variant (also known as c.5191A>C), located in coding exon 40 of the TSC2 gene, results from an A to C substitution at nucleotide position 5191. The asparagine at codon 1731 is replaced by histidine, an amino acid with similar properties. This amino acid position is conserved. In addition, the in silico prediction for this alteration is inconclusive. Since supporting evidence is limited at this time, the clinical significance of this alteration remains unclear.